The following is an entry in ClinVar:

ClinVar aggregate classification (germline): Pathogenic (1 of 4 stars; one submission).

Conditions:
Hereditary factor XI deficiency disease. Also called: PLASMA THROMBOPLASTIN ANTECEDENT DEFICIENCY; PTA DEFICIENCY; ROSENTHAL SYNDROME; Congenital factor XI deficiency. Identifiers: Orphanet 329, MedGen C0015523, MeSH D005173, MONDO:0012897, OMIM 612416.

Submission:

Myriad Genetics, Inc.
Classification: Pathogenic for Hereditary factor XI deficiency disease. Last evaluated: 2025-04-16. Review status: criteria provided, single submitter. Criteria: Myriad Autosomal Dominant, Autosomal Recessive and X-Linked Classification Criteria (2023). Collection method: clinical testing. Allele origin: unknown.
Comment: NM_000128.3(F11):c.1459G>T(E487*) is expected to be pathogenic in the context of factor XI deficiency. This variant is predicted to lead to an abnormal or absent protein product due to the creation of a premature termination codon in F11, a gene where loss-of-function variants are known to be pathogenic. Please note: this variant was assessed in the context of healthy population screening.

NM_000128.4(F11):c.1459G>T (p.Glu487Ter)

Gene: F11 (coagulation factor XI; plus strand). Cytogenetic location: 4q35.2.
Variant type: single nucleotide variant.
Coding change: c.1459G>T on transcript NM_000128.4 (MANE Select); coding-DNA position 1459, G replaced by T.
Protein change: p.Glu487Ter; replaces glutamic acid 487 with a stop codon.
Molecular consequence: nonsense.
Genome position (GRCh38, 1-based): chr4:186,285,792, G>T. VCF-style: chr4-186285792-G-T. GRCh37 (hg19) VCF-style: chr4-187206946-G-T.
Other names: c.1411G>T, p.Glu471Ter (NM_001440590.1, NM_001440596.1); c.1459G>T, p.Glu487Ter (NM_001440593.1); c.1189G>T, p.Glu397Ter (NM_001440605.1, NM_001440607.1); c.1141G>T, p.Glu381Ter (NM_001440606.1, NM_001440608.1); short protein forms E381*, E397*, E471*, E487*.
Identifiers: ClinVar variation 5014334 (VCV005014334.1).
Genomic context (GRCh38, chr4:186,285,792, plus strand): 5'-ATAATCCATGATCAGTATAAAATGGCAGAAAGCGGGTATGATATTGCCTTGTTGAAACTG[G>T]AAACCACAGTGAATTACACAGGTACGGAGAATTTTATCCGGAAAGTTGTCTCCAATGGTG-3'